The following is an entry in ClinVar:

ClinVar aggregate classification (germline): Likely pathogenic (1 of 4 stars; one submission).

Submission:

Centre of Medical Genetics, University Hospital Muenster
Classification: Likely pathogenic. Last evaluated: 2022-08-23. Review status: criteria provided, single submitter. Criteria: ACMG Guidelines, 2015. Collection method: clinical testing. Allele origin: unknown. Affected: yes. Observed: 1 variant allele, 1 heterozygote.
Comment: ACMG categories: PVS1,PM2

NM_001184880.2(PCDH19):c.1051_1054del (p.Val351fs)

Gene: PCDH19 (protocadherin 19; minus strand). Cytogenetic location: Xq22.1.
Variant type: Microsatellite.
Coding change: c.1051_1054del on transcript NM_001184880.2 (MANE Select); coding-DNA positions 1051 to 1054, 4 bases deleted (GTCA; older notation c.1051_1054delGTCA).
Protein change: p.Val351fs; shifts the reading frame from valine 351.
Molecular consequence: frameshift variant.
Genome position (GRCh38, 1-based): chrX:100,407,544-100,407,547, TGAC deleted on the plus strand (GTCA on the coding strand, the reverse complement: PCDH19 is on the minus strand); deleting any 4 consecutive bases within chrX:100,407,544-100,407,551 gives the same sequence; the c. name uses the placement nearest the transcript's 3' end. VCF-style (leftmost placement, unchanged base first): chrX-100407543-TTGAC-T. GRCh37 (hg19) VCF-style: chrX-99662541-TTGAC-T.
Other names: c.1051_1054del, p.Val351fs (NM_001105243.2, NM_020766.3); short protein forms V351fs.
Identifiers: ClinVar variation 1708414 (VCV001708414.3), dbSNP rs2520986490, ClinGen allele CA2580612440.